The following is an entry in ClinVar:

ClinVar aggregate classification (germline): Uncertain significance (1 of 4 stars; one submission).

Submission:

Labcorp Genetics (formerly Invitae), Labcorp
Classification: Uncertain significance. Last evaluated: 2024-04-06. Review status: criteria provided, single submitter. Criteria: Invitae Variant Classification Sherloc (09022015). Collection method: clinical testing. Allele origin: germline.
Comment: This sequence change replaces glycine, which is neutral and non-polar, with aspartic acid, which is acidic and polar, at codon 17 of the MC3R protein (p.Gly17Asp). This variant is not present in population databases (gnomAD no frequency). This variant has not been reported in the literature in individuals affected with MC3R-related conditions. Algorithms developed to predict the effect of missense changes on protein structure and function output the following: SIFT: "Not Available"; PolyPhen-2: "Benign"; Align-GVGD: "Not Available". The aspartic acid amino acid residue is found in multiple mammalian species, which suggests that this missense change does not adversely affect protein function. In summary, the available evidence is currently insufficient to determine the role of this variant in disease. Therefore, it has been classified as a Variant of Uncertain Significance.

NM_019888.3(MC3R):c.50G>A (p.Gly17Asp)

Gene: MC3R (melanocortin 3 receptor; plus strand). Cytogenetic location: 20q13.2.
Variant type: single nucleotide variant.
Coding change: c.50G>A on transcript NM_019888.3 (MANE Select); coding-DNA position 50, G replaced by A.
Protein change: p.Gly17Asp; replaces glycine 17 with aspartic acid.
Molecular consequence: missense variant.
Genome position (GRCh38, 1-based): chr20:56,248,893, G>A. VCF-style: chr20-56248893-G-A. GRCh37 (hg19) VCF-style: chr20-54823949-G-A.
Other names: short protein forms G17D.
Identifiers: ClinVar variation 3619512 (VCV003619512.2).